The following is an entry in ClinVar:

NM_201384.3(PLEC):c.4337_4348del (p.Ser1446_Arg1449del)

Gene: PLEC (plectin; minus strand). Cytogenetic location: 8q24.3.
Variant type: Deletion.
Coding change: c.4337_4348del on transcript NM_201384.3 (MANE Select); coding-DNA positions 4337 to 4348, 12 bases deleted (GCCGGCTGCGCA).
Protein change: p.Ser1446_Arg1449del.
Molecular consequence: inframe deletion.
Genome position (GRCh38, 1-based): chr8:143,925,581-143,925,592, TGCGCAGCCGGC deleted on the plus strand (GCCGGCTGCGCA on the coding strand, the reverse complement: PLEC is on the minus strand); deleting any 12 consecutive bases within chr8:143,925,581-143,925,597 gives the same sequence; the c. name uses the placement nearest the transcript's 3' end. VCF-style (leftmost placement, unchanged base first): chr8-143925580-ATGCGCAGCCGGC-A. GRCh37 (hg19) VCF-style: chr8-144999748-ATGCGCAGCCGGC-A.
Other names: c.4418_4429del, p.Ser1473_Arg1476del (NM_000445.5); c.4295_4306del, p.Ser1432_Arg1435del (NM_201378.4); c.4271_4282del, p.Ser1424_Arg1427del (NM_201379.3); c.4748_4759del, p.Ser1583_Arg1586del (NM_201380.4); c.4241_4252del, p.Ser1414_Arg1417del (NM_201381.3); c.4337_4348del, p.Ser1446_Arg1449del (NM_201382.4); c.4349_4360del, p.Ser1450_Arg1453del (NM_201383.3).
Identifiers: ClinVar variation 1055830 (VCV001055830.5), dbSNP rs2131497439, ClinGen allele CA2499219152.

ClinVar aggregate classification (germline): Uncertain significance (1 of 4 stars; one submission).

Conditions:
Epidermolysis bullosa simplex 5B, with muscular dystrophy (EBS5B). Also called: Epidermolysis bullosa simplex with muscular dystrophy; EPIDERMOLYSIS BULLOSA SIMPLEX AND LIMB-GIRDLE MUSCULAR DYSTROPHY. Identifiers: Orphanet 257, MedGen C2931072, MONDO:0009181, OMIM 226670.
Epidermolysis bullosa simplex 5C, with pyloric atresia (EBS5C). Also called: Epidermolysis bullosa simplex with pyloric atresia; PLEC-Related Epidermolysis Bullosa with Pyloric Atresia; PLEC1-Related Epidermolysis Bullosa with Pyloric Atresia. Identifiers: Orphanet 158684, MedGen C2677349, MONDO:0012807, OMIM 612138.
Epidermolysis bullosa simplex, Ogna type (EBS5A). Also called: Pidermolysis bullosa simplex 5A, Ogna type; EPIDERMOLYSIS BULLOSA SIMPLEX 5A, OGNA TYPE. Identifiers: Orphanet 79401, MedGen C0432317, MONDO:0007555, OMIM 131950.
Autosomal recessive limb-girdle muscular dystrophy type 2Q (LGMDR17). Also called: MUSCULAR DYSTROPHY, LIMB-GIRDLE, AUTOSOMAL RECESSIVE 17. Identifiers: Orphanet 254361, MedGen C3150989, MONDO:0013390, OMIM 613723.
Epidermolysis bullosa simplex with nail dystrophy (EBS5D). Identifiers: MedGen C4225309, MONDO:0014661, OMIM 616487.

Submission:

Labcorp Genetics (formerly Invitae), Labcorp
Classification: Uncertain significance for Autosomal recessive limb-girdle muscular dystrophy type 2Q; Epidermolysis bullosa simplex, Ogna type; Epidermolysis bullosa simplex with nail dystrophy; Epidermolysis bullosa simplex 5C, with pyloric atresia; Epidermolysis bullosa simplex 5B, with muscular dystrophy. Last evaluated: 2022-09-01. Review status: criteria provided, single submitter. Criteria: Invitae Variant Classification Sherloc (09022015). Collection method: clinical testing. Allele origin: germline.
Comment: ClinVar contains an entry for this variant (Variation ID: 1055830). Experimental studies and prediction algorithms are not available or were not evaluated, and the functional significance of this variant is currently unknown. In summary, the available evidence is currently insufficient to determine the role of this variant in disease. Therefore, it has been classified as a Variant of Uncertain Significance. This variant, c.4418_4429del, results in the deletion of 4 amino acid(s) of the PLEC protein (p.Ser1473_Arg1476del), but otherwise preserves the integrity of the reading frame. This variant is not present in population databases (gnomAD no frequency). This variant has not been reported in the literature in individuals affected with PLEC-related conditions.